The following is an entry in ClinVar:

ClinVar aggregate classification (germline): Uncertain significance (1 of 4 stars; one submission).

Conditions:
Meckel-Gruber syndrome. Also called: DYSENCEPHALIA SPLANCHNOCYSTICA; GRUBER SYNDROME; Dysencephalia splachnocystica. Identifiers: Orphanet 564, MedGen C0265215, MONDO:0018921.
Joubert syndrome. Also called: JOUBERT-BOLTSHAUSER SYNDROME; Familial aplasia of the vermis. Identifiers: Orphanet 475, MedGen C5979921, MONDO:0018772.

Allele frequency attached by ClinVar (database versions not stated): gnomAD exomes below 0.00001; ExAC 0.00001.
gnomAD v4.1: 1 of 1,613,942 alleles (0.000062%); highest among the groups gnomAD compares: Admixed American, 0.0017%; no homozygotes.

Submission:

Labcorp Genetics (formerly Invitae), Labcorp
Classification: Uncertain significance for Joubert syndrome; Meckel-Gruber syndrome. Last evaluated: 2022-08-10. Review status: criteria provided, single submitter. Criteria: Invitae Variant Classification Sherloc (09022015). Collection method: clinical testing. Allele origin: germline.
Comment: In summary, the available evidence is currently insufficient to determine the role of this variant in disease. Therefore, it has been classified as a Variant of Uncertain Significance. Advanced modeling of protein sequence and biophysical properties (such as structural, functional, and spatial information, amino acid conservation, physicochemical variation, residue mobility, and thermodynamic stability) performed at Invitae indicates that this missense variant is not expected to disrupt CC2D2A protein function. This variant has not been reported in the literature in individuals affected with CC2D2A-related conditions. This variant is present in population databases (rs757419793, gnomAD 0.003%). This sequence change replaces aspartic acid, which is acidic and polar, with asparagine, which is neutral and polar, at codon 271 of the CC2D2A protein (p.Asp271Asn).

NM_001378615.1(CC2D2A):c.811G>A (p.Asp271Asn)

Genes: CC2D2A (coiled-coil and C2 domain containing 2A; plus strand), FBXL5 (F-box and leucine rich repeat protein 5; minus strand). Cytogenetic location: 4p15.32.
Variant type: single nucleotide variant.
Coding change: c.811G>A on transcript NM_001378615.1 (MANE Select); coding-DNA position 811, G replaced by A.
Protein change: p.Asp271Asn; replaces aspartic acid 271 with asparagine.
Molecular consequence: missense variant.
Genome position (GRCh38, 1-based): chr4:15,514,800, G>A. VCF-style: chr4-15514800-G-A. GRCh37 (hg19) VCF-style: chr4-15516423-G-A.
Other names: c.811G>A, p.Asp271Asn (NM_001080522.2); c.664G>A, p.Asp222Asn (NM_001378617.1); short protein forms D222N, D271N.
Identifiers: ClinVar variation 1714740 (VCV001714740.6), dbSNP rs757419793, ClinGen allele CA2863497.
Genomic context (GRCh38, chr4:15,514,800, plus strand): 5'-GAGGACTTCCTATTGGGCTTAGATCACGTGGCTGACGATTTTGTAGCAGTCAGACCTGCA[G>A]ATTATGAAAGCATCCATGATCGGCTGCAGATGGAAAGAGAAATGCTCTTCATACCCAGTA-3'
Protein context (NP_001365544.1, residues 261-281): ADDFVAVRPA[Asp271Asn]YESIHDRLQM